The following is an entry in ClinVar:

ClinVar aggregate classification (germline): Uncertain significance (1 of 4 stars; one submission).

Allele frequency attached by ClinVar (database versions not stated): TOPMed 0.00002.
gnomAD v4.1: 4 of 1,612,932 alleles (0.00025%); highest among the groups gnomAD compares: African/African-American, 0.0027%; no homozygotes.

Submission:

CeGaT Center for Human Genetics Tuebingen
Classification: Uncertain significance. Last evaluated: 2024-08-01. Review status: criteria provided, single submitter. Criteria: CeGaT Center For Human Genetics Tuebingen Variant Classification Criteria Version 2. Collection method: clinical testing. Allele origin: germline. Affected: yes. Observed: 1 variant allele.
Comment: AGRN: PM2, BP4

NM_198576.4(AGRN):c.3568C>A (p.Arg1190Ser)

Gene: AGRN (agrin; plus strand). Cytogenetic location: 1p36.33.
Variant type: single nucleotide variant.
Coding change: c.3568C>A on transcript NM_198576.4 (MANE Select); coding-DNA position 3568, C replaced by A.
Protein change: p.Arg1190Ser; replaces arginine 1190 with serine.
Molecular consequence: missense variant.
Genome position (GRCh38, 1-based): chr1:1,047,624, C>A. VCF-style: chr1-1047624-C-A. GRCh37 (hg19) VCF-style: chr1-983004-C-A.
Other names: c.3568C>A, p.Arg1190Ser (NM_001305275.2); c.3253C>A, p.Arg1085Ser (NM_001364727.2); short protein forms R1190S, R1085S.
Identifiers: ClinVar variation 872688 (VCV000872688.41), dbSNP rs766825692, ClinGen allele CA509142.
Genomic context (GRCh38, chr1:1,047,624, plus strand): 5'-CTGCCACAGCTGGACGACCTCTTCCGGAATTCAGACGTCAAGAAGGATTTTCGGAGTGTC[C>A]GCTTGCGGGACCTGGGGCCCGGCAAATCCGTCCGCGCCATTGTGGATGTGCACTTTGACC-3'
Protein context (NP_940978.2, residues 1180-1200): SDVKKDFRSV[Arg1190Ser]LRDLGPGKSV